The following is an entry in ClinVar:

ClinVar aggregate classification (germline): Likely benign. Review status: criteria provided, multiple submitters, no conflicts (2 of 4 stars). 5 submissions from 5 submitters: Likely benign (5). Last evaluated 2025-10-05.

Conditions:
Long QT syndrome (LQTS). Identifiers: MedGen C0023976, MeSH D008133, MONDO:0002442. Disease mechanism: loss of function. Inheritance: Various modes of inheritance.
Cardiovascular phenotype. Identifiers: MedGen CN230736.
Cardiac arrhythmia. Also called: Arrhythmia; Cardiac rhythm disease. Identifiers: MedGen C0003811, MONDO:0007263, HP:0011675.

Allele frequency attached by ClinVar (database versions not stated): TOPMed 0.00001.
gnomAD v4.1: 2 of 1,570,264 alleles (0.00013%); highest among the groups gnomAD compares: Non-Finnish European, 0.00017%; no homozygotes.

Submissions (5):

Ambry Genetics
Classification: Likely benign for Cardiovascular phenotype. Last evaluated: 2025-10-05. Review status: criteria provided, single submitter. Criteria: Ambry Variant Classification Scheme 2023. Collection method: clinical testing. Allele origin: germline.

Labcorp Genetics (formerly Invitae), Labcorp
Classification: Likely benign for Long QT syndrome. Last evaluated: 2025-06-18. Review status: criteria provided, single submitter. Criteria: Invitae Variant Classification Sherloc (09022015). Collection method: clinical testing. Allele origin: germline.

All of Us Research Program, National Institutes of Health
Classification: Likely benign for Long QT syndrome. Last evaluated: 2024-09-11. Review status: criteria provided, single submitter. Criteria: ACMG Guidelines, 2015. Collection method: clinical testing. Allele origin: germline. Inheritance: Autosomal dominant inheritance. Observed: 4 variant alleles, 4 heterozygotes.
Comment: This study involves interpretation of variants in research participants for the purpose of population health screening. Participant phenotype was not available at the time of variant classification. Additional details can be found in publication PMID: 35346344, PMCID: PMC8962531

Blueprint Genetics
Classification: Likely benign. Last evaluated: 2022-12-28. Review status: criteria provided, single submitter. Criteria: ACMG Guidelines, 2015. Collection method: clinical testing. Allele origin: germline.

Color Diagnostics, LLC DBA Color Health
Classification: Likely benign for Cardiac arrhythmia. Last evaluated: 2022-06-29. Review status: criteria provided, single submitter. Criteria: ACMG Guidelines, 2015. Collection method: clinical testing. Allele origin: germline.

NM_000218.3(KCNQ1):c.1875C>G (p.Pro625=)

Genes: KCNQ1-AS1 (KCNQ1 antisense RNA 1; minus strand), KCNQ1 (potassium voltage-gated channel subfamily Q member 1; plus strand). Cytogenetic location: 11p15.4.
Variant type: single nucleotide variant.
Coding change: c.1875C>G on transcript NM_000218.3 (MANE Select); coding-DNA position 1875, C replaced by G.
Protein change: p.Pro625=; no amino-acid change (proline 625 retained).
Molecular consequence: synonymous variant.
Genome position (GRCh38, 1-based): chr11:2,847,847, C>G. VCF-style: chr11-2847847-C-G. GRCh37 (hg19) VCF-style: chr11-2869077-C-G.
Other names: c.1779C>G, p.Pro593= (NM_001406836.1); c.1605C>G, p.Pro535= (NM_001406837.1); c.1335C>G, p.Pro445= (NM_001406838.1); c.387C>G, p.Pro129= (NM_001406839.1); c.1494C>G, p.Pro498= (NM_181798.2).
Identifiers: ClinVar variation 731398 (VCV000731398.15), dbSNP rs112113213, ClinGen allele CA033469.